The following is an entry in ClinVar:

ClinVar aggregate classification (germline): Uncertain significance (1 of 4 stars; one submission).

Conditions:
Symmetrical dyschromatosis of extremities (DSH). Also called: RETICULATE ACROPIGMENTATION OF DOHI; SYMMETRIC DYSCHROMATOSIS OF THE EXTREMITIES; DYSCHROMATOSIS SYMMETRICA HEREDITARIA 1; Dyschromatosis symmetrica hereditaria. Identifiers: Orphanet 41, MedGen C0406775, MONDO:0007483, OMIM 127400.
Aicardi-Goutieres syndrome 6 (AGS6). Identifiers: Orphanet 51, MedGen C3539013, MONDO:0014007, OMIM 615010.

Allele frequency attached by ClinVar (database versions not stated): gnomAD exomes below 0.00001.

Submission:

Labcorp Genetics (formerly Invitae), Labcorp
Classification: Uncertain significance for Aicardi-Goutieres syndrome 6; Symmetrical dyschromatosis of extremities. Last evaluated: 2023-08-17. Review status: criteria provided, single submitter. Criteria: Invitae Variant Classification Sherloc (09022015). Collection method: clinical testing. Allele origin: germline.
Comment: ClinVar contains an entry for this variant (Variation ID: 1345700). Advanced modeling of protein sequence and biophysical properties (such as structural, functional, and spatial information, amino acid conservation, physicochemical variation, residue mobility, and thermodynamic stability) performed at Invitae indicates that this missense variant is not expected to disrupt ADAR protein function. In summary, the available evidence is currently insufficient to determine the role of this variant in disease. Therefore, it has been classified as a Variant of Uncertain Significance. This variant has not been reported in the literature in individuals affected with ADAR-related conditions. This sequence change replaces isoleucine, which is neutral and non-polar, with valine, which is neutral and non-polar, at codon 330 of the ADAR protein (p.Ile330Val). This variant is not present in population databases (gnomAD no frequency).

NM_001111.5(ADAR):c.988A>G (p.Ile330Val)

Gene: ADAR (adenosine deaminase RNA specific; minus strand). Cytogenetic location: 1q21.3.
Variant type: single nucleotide variant.
Coding change: c.988A>G on transcript NM_001111.5 (MANE Select); coding-DNA position 988, A replaced by G.
Protein change: p.Ile330Val; replaces isoleucine 330 with valine.
Molecular consequence: missense variant.
Genome position (GRCh38, 1-based): chr1:154,601,654, T>C on the plus strand (A>G on the coding strand, the complement: ADAR is on the minus strand). VCF-style: chr1-154601654-T-C. GRCh37 (hg19) VCF-style: chr1-154574130-T-C.
Other names: c.103A>G, p.Ile35Val (NM_001025107.3, NM_001193495.2, NM_001365046.1 and 3 more transcripts); c.1015A>G, p.Ile339Val (NM_001365045.1); c.988A>G, p.Ile330Val (NM_015840.4, NM_015841.4); short protein forms I330V, I35V, I339V.
Identifiers: ClinVar variation 1345700 (VCV001345700.8), dbSNP rs2101640846, ClinGen allele CA342598927.